The following is an entry in ClinVar:

NM_001375834.1(WIPF1):c.1457G>A (p.Ser486Asn)

Gene: WIPF1 (WAS/WASL interacting protein family member 1; minus strand). Cytogenetic location: 2q31.1.
Variant type: single nucleotide variant.
Coding change: c.1457G>A on transcript NM_001375834.1 (MANE Select); coding-DNA position 1457, G replaced by A.
Protein change: p.Ser486Asn; replaces serine 486 with asparagine.
Molecular consequence: missense variant.
Genome position (GRCh38, 1-based): chr2:174,562,602, C>T on the plus strand (G>A on the coding strand, the complement: WIPF1 is on the minus strand). VCF-style: chr2-174562602-C-T. GRCh37 (hg19) VCF-style: chr2-175427330-C-T.
Other names: c.1457G>A, p.Ser486Asn (NM_001077269.1, NM_001375832.1, NM_001375833.1 and 2 more transcripts); c.1079G>A, p.Ser360Asn (NM_001375839.1); short protein forms S360N, S486N.
Identifiers: ClinVar variation 2152752 (VCV002152752.4), dbSNP rs1684515884, ClinGen allele CA349334394.

ClinVar aggregate classification (germline): Uncertain significance (1 of 4 stars; one submission).

Conditions:
Wiskott-Aldrich syndrome 2 (WAS2). Also called: WIPF1 DEFICIENCY. Identifiers: Orphanet 906, MedGen C3281001, MONDO:0013779, OMIM 614493.

Allele frequency attached by ClinVar (database versions not stated): gnomAD 0.00001.
gnomAD v4.1: 1 of 1,613,930 alleles (0.000062%); highest among the groups gnomAD compares: South Asian, 0.0011%; no homozygotes.

Submission:

Labcorp Genetics (formerly Invitae), Labcorp
Classification: Uncertain significance for Wiskott-Aldrich syndrome 2. Last evaluated: 2024-01-02. Review status: criteria provided, single submitter. Criteria: Invitae Variant Classification Sherloc (09022015). Collection method: clinical testing. Allele origin: germline.
Comment: This sequence change replaces serine, which is neutral and polar, with asparagine, which is neutral and polar, at codon 486 of the WIPF1 protein (p.Ser486Asn). This variant is not present in population databases (gnomAD no frequency). This variant has not been reported in the literature in individuals affected with WIPF1-related conditions. ClinVar contains an entry for this variant (Variation ID: 2152752). An algorithm developed to predict the effect of missense changes on protein structure and function (PolyPhen-2) suggests that this variant is likely to be disruptive. Algorithms developed to predict the effect of sequence changes on RNA splicing suggest that this variant may disrupt the consensus splice site. In summary, the available evidence is currently insufficient to determine the role of this variant in disease. Therefore, it has been classified as a Variant of Uncertain Significance.